The following is an entry in ClinVar:

NM_022042.4(SLC26A1):c.226G>A (p.Gly76Arg)

Genes: IDUA (alpha-L-iduronidase; plus strand), SLC26A1 (solute carrier family 26 member 1; minus strand). Cytogenetic location: 4p16.3.
Variant type: single nucleotide variant.
Coding change: c.226G>A on transcript NM_022042.4 (MANE Select); coding-DNA position 226, G replaced by A.
Protein change: p.Gly76Arg; replaces glycine 76 with arginine.
Molecular consequence: missense variant. On other transcripts: intron variant (1).
Genome position (GRCh38, 1-based): chr4:991,478, C>T on the plus strand (G>A on the coding strand, the complement: SLC26A1 is on the minus strand). VCF-style: chr4-991478-C-T. GRCh37 (hg19) VCF-style: chr4-985266-C-T.
Other names: c.226G>A, p.Gly76Arg (NM_134425.4, NM_213613.4); c.299+3529C>T (NM_000203.5); short protein forms G76R.
Identifiers: ClinVar variation 64589 (VCV000064589.2), dbSNP rs387907482, ClinGen allele CA216461.
Genomic context (GRCh38, chr4:991,478, plus strand): 5'-GCCCGGCCAGCAATGAGTAGGCGATGGCCTGCGGCACCAGGATGATGCCGATGACCAGCC[C>T]AGACATGACGTCGCCTGCCAGGTACTCCCGCGGGCGGTACTGACGCAGCCAGCGCGTGGC-3'
Protein context (NP_071325.2, residues 66-86): REYLAGDVMS[Gly76Arg]LVIGIILVPQ

ClinVar aggregate classification (germline): Uncertain significance (0 of 4 stars; one submission).

Submission:

Martin Pollak Laboratory,  Beth Israel Deaconess Medical Center
Classification: Uncertain significance. Review status: no assertion criteria provided. Collection method: not provided. Allele origin: unknown.
Comment: Lower UCa2+ group
ClinVar note: Converted during submission from unknown to Uncertain significance.